The following is an entry in ClinVar:

ClinVar aggregate classification (germline): Uncertain significance (1 of 4 stars; one submission).

Allele frequency attached by ClinVar (database versions not stated): TOPMed below 0.00001; gnomAD exomes below 0.00001.
gnomAD v4.1: 2 of 1,613,106 alleles (0.00012%); highest among the groups gnomAD compares: African/African-American, 0.0013%; no homozygotes.

Submission:

Labcorp Genetics (formerly Invitae), Labcorp
Classification: Uncertain significance. Last evaluated: 2022-07-23. Review status: criteria provided, single submitter. Criteria: Invitae Variant Classification Sherloc (09022015). Collection method: clinical testing. Allele origin: germline.
Comment: In summary, the available evidence is currently insufficient to determine the role of this variant in disease. Therefore, it has been classified as a Variant of Uncertain Significance. Algorithms developed to predict the effect of missense changes on protein structure and function are either unavailable or do not agree on the potential impact of this missense change (SIFT: "Tolerated"; PolyPhen-2: "Possibly Damaging"; Align-GVGD: "Class C0"). This variant has not been reported in the literature in individuals affected with SIX6-related conditions. This variant is not present in population databases (gnomAD no frequency). This sequence change replaces alanine, which is neutral and non-polar, with threonine, which is neutral and polar, at codon 231 of the SIX6 protein (p.Ala231Thr).

NM_007374.3(SIX6):c.691G>A (p.Ala231Thr)

Genes: C14orf39 (chromosome 14 open reading frame 39; minus strand), SIX6 (SIX homeobox 6; plus strand). Cytogenetic location: 14q23.1.
Variant type: single nucleotide variant.
Coding change: c.691G>A on transcript NM_007374.3 (MANE Select); coding-DNA position 691, G replaced by A.
Protein change: p.Ala231Thr; replaces alanine 231 with threonine.
Molecular consequence: missense variant.
Genome position (GRCh38, 1-based): chr14:60,511,202, G>A. VCF-style: chr14-60511202-G-A. GRCh37 (hg19) VCF-style: chr14-60977920-G-A.
Other names: short protein forms A231T.
Identifiers: ClinVar variation 2038664 (VCV002038664.4), dbSNP rs958745864, ClinGen allele CA262195962.